The following is an entry in ClinVar:

ClinVar aggregate classification (germline): Pathogenic (1 of 4 stars; one submission).

Conditions:
Developmental and epileptic encephalopathy, 12 (DEE12). Identifiers: MedGen C3150988, MONDO:0013389, OMIM 613722.

Submission:

Labcorp Genetics (formerly Invitae), Labcorp
Classification: Pathogenic for Developmental and epileptic encephalopathy, 12. Last evaluated: 2023-11-27. Review status: criteria provided, single submitter. Criteria: Invitae Variant Classification Sherloc (09022015). Collection method: clinical testing. Allele origin: unknown.
Comment: This variant results in the deletion of part of exon 2, exons 3-7, and part of exon 8 (c.99_769del) of the PNKP gene. This deletion is out-of-frame, and is expected to create a premature termination codon and result in an absent or disrupted protein product. Loss-of-function variants in PNKP are known to be pathogenic (PMID: 20118933, 25728773). This variant has not been reported in the literature in individuals affected with PNKP-related conditions. For these reasons, this variant has been classified as Pathogenic.

Literature cited by the submitters: PubMed 20118933; PubMed 25728773.

NC_000019.9:g.(?_50366993)_(50370363_?)del

Gene: PNKP (polynucleotide kinase 3'-phosphatase; minus strand). Cytogenetic location: 19q13.33.
Variant type: Deletion.
Identifiers: ClinVar variation 3248487 (VCV003248487.1).